The following is an entry in ClinVar:

ClinVar aggregate classification (germline): Benign/Likely benign. Review status: criteria provided, multiple submitters, no conflicts (2 of 4 stars). 2 submissions from 2 submitters: Benign (1); Likely benign (1). Last evaluated 2026-09-01.

Allele frequency attached by ClinVar (database versions not stated): 1000 Genomes Project 30x 0.00016; gnomAD 0.00018 and 0.00019; 1000 Genomes Project 0.00020; gnomAD exomes 0.00021 and 0.00105; TOPMed 0.00045; ExAC 0.00090.
gnomAD v4.1: 326 of 1,614,130 alleles (0.02%); highest among the groups gnomAD compares: Admixed American, 0.51%; 1 homozygote.

Submissions (2):

CeGaT Center for Human Genetics Tuebingen
Classification: Likely benign. Last evaluated: 2026-09-01. Review status: criteria provided, single submitter. Criteria: CeGaT Center For Human Genetics Tuebingen Variant Classification Criteria Version 2. Collection method: clinical testing. Allele origin: germline. Affected: yes. Observed: 2 variant alleles.
Comment: THRA: BP4, BP7

Labcorp Genetics (formerly Invitae), Labcorp
Classification: Benign. Last evaluated: 2018-04-17. Review status: criteria provided, single submitter. Criteria: Invitae Variant Classification Sherloc (09022015). Collection method: clinical testing. Allele origin: germline.

NM_199334.5(THRA):c.870C>T (p.Gly290=)

Gene: THRA (thyroid hormone receptor alpha; plus strand). Cytogenetic location: 17q21.1.
Variant type: single nucleotide variant.
Coding change: c.870C>T on transcript NM_199334.5 (MANE Select); coding-DNA position 870, C replaced by T.
Protein change: p.Gly290=; no amino-acid change (glycine 290 retained).
Molecular consequence: synonymous variant.
Genome position (GRCh38, 1-based): chr17:40,088,388, C>T. VCF-style: chr17-40088388-C-T. GRCh37 (hg19) VCF-style: chr17-38244641-C-T.
Other names: c.870C>T, p.Gly290= (NM_001190918.2, NM_001190919.2, NM_003250.6).
Identifiers: ClinVar variation 784543 (VCV000784543.5), dbSNP rs201494524, ClinGen allele CA8539241.
Genomic context (GRCh38, chr17:40,088,388, plus strand): 5'-GAGCGACACCCTGACGCTGAGTGGGGAGATGGCTGTCAAGCGGGAGCAGCTCAAGAATGG[C>T]GGCCTGGGCGTAGTCTCCGACGCCATCTTTGAACTGGGCAAGTCACTCTCTGCCTTTAAC-3'
Protein context (NP_955366.1, residues 280-300): MAVKREQLKN[Gly290=]GLGVVSDAIF